The following is an entry in ClinVar:

NM_003803.4(MYOM1):c.1668del (p.Trp556fs)

Gene: MYOM1 (myomesin 1; minus strand). Cytogenetic location: 18p11.31.
Variant type: Deletion.
Coding change: c.1668del on transcript NM_003803.4 (MANE Select); coding-DNA position 1668, one base deleted (G; older notation c.1668delG).
Protein change: p.Trp556fs; shifts the reading frame from tryptophan 556.
Molecular consequence: frameshift variant.
Genome position (GRCh38, 1-based): chr18:3,151,869, C deleted on the plus strand (G on the coding strand, the reverse complement: MYOM1 is on the minus strand); the first of 2 consecutive C bases (chr18:3,151,869-3,151,870); deleting either gives the same sequence. VCF-style (leftmost placement, unchanged base first): chr18-3151868-AC-A. GRCh37 (hg19) VCF-style: chr18-3151866-AC-A.
Other names: c.1668delG (NM_003803.3); c.1668del, p.Trp556fs (NM_019856.2); short protein forms W556fs.
Identifiers: ClinVar variation 229017 (VCV000229017.6), dbSNP rs876657916, ClinGen allele CA10577051.

ClinVar aggregate classification (germline): Uncertain significance. Review status: criteria provided, multiple submitters, no conflicts (2 of 4 stars). 2 submissions from 2 submitters: Uncertain significance (2). Last evaluated 2025-08-31.

Conditions:
Hypertrophic cardiomyopathy. Also called: HYPERTROPHIC MYOCARDIOPATHY. Identifiers: Orphanet 217569, MedGen C0007194, MeSH D002312, MONDO:0005045, HP:0001639.

Submissions (2):

Labcorp Genetics (formerly Invitae), Labcorp
Classification: Uncertain significance for Hypertrophic cardiomyopathy. Last evaluated: 2025-08-31. Review status: criteria provided, single submitter. Criteria: Invitae Variant Classification Sherloc (09022015). Collection method: clinical testing. Allele origin: germline.
Comment: This sequence change creates a premature translational stop signal (p.Trp556Cysfs*9) in the MYOM1 gene. It is expected to result in an absent or disrupted protein product. However, the current clinical and genetic evidence is not sufficient to establish whether loss-of-function variants in MYOM1 cause disease. This variant is present in population databases (no rsID available, gnomAD 0.003%). This variant has not been reported in the literature in individuals affected with MYOM1-related conditions. ClinVar contains an entry for this variant (Variation ID: 229017). In summary, the available evidence is currently insufficient to determine the role of this variant in disease. Therefore, it has been classified as a Variant of Uncertain Significance.

Laboratory for Molecular Medicine, Mass General Brigham Personalized Medicine
Classification: Uncertain significance. Last evaluated: 2015-08-03. Review status: criteria provided, single submitter. Criteria: LMM Criteria. Collection method: clinical testing. Allele origin: germline. Observed: 1 variant allele.
Comment: The p.Trp556fs variant in MYOM1 has not been previously reported in individuals with cardiomyopathy and was absent from large population studies, though the abi lity of these studies to accurately detect indels may be limited. This variant i s predicted to cause a frameshift, which alters the protein's amino acid sequenc e beginning at position 556 and leads to a premature termination codon 9 amino a cids downstream. This alteration is then predicted to lead to a truncated or abs ent protein. Despite the predicted severe impact on the protein, the variant spe ctrum and mode of inheritance for the MYOM1 gene is not well understood. As a re sult, the clinical significance of the p.Trp556fs variant is uncertain.